The following is an entry in ClinVar:

NM_001130144.3(LTBP3):c.3824A>G (p.Asn1275Ser)

Gene: LTBP3 (latent transforming growth factor beta binding protein 3; minus strand). Cytogenetic location: 11q13.1.
Variant type: single nucleotide variant.
Coding change: c.3824A>G on transcript NM_001130144.3 (MANE Select); coding-DNA position 3824, A replaced by G.
Protein change: p.Asn1275Ser; replaces asparagine 1275 with serine.
Molecular consequence: missense variant.
Genome position (GRCh38, 1-based): chr11:65,539,168, T>C on the plus strand (A>G on the coding strand, the complement: LTBP3 is on the minus strand). VCF-style: chr11-65539168-T-C. GRCh37 (hg19) VCF-style: chr11-65306639-T-C.
Other names: c.3332A>G, p.Asn1111Ser (NM_001164266.1); c.3683A>G, p.Asn1228Ser (NM_021070.4); c.3824A>G (NM_001130144.2); short protein forms N1275S, N1111S, N1228S.
Identifiers: ClinVar variation 1979706 (VCV001979706.6), dbSNP rs2496109435, ClinGen allele CA381265933.

ClinVar aggregate classification (germline): Uncertain significance. Review status: criteria provided, multiple submitters, no conflicts (2 of 4 stars). 2 submissions from 2 submitters: Uncertain significance (2). Last evaluated 2025-04-27.

Conditions:
Inborn genetic diseases. Identifiers: MedGen C0950123, MeSH D030342.
Brachyolmia-amelogenesis imperfecta syndrome. Also called: PLATYSPONDYLY WITH AMELOGENESIS IMPERFECTA; Tooth agenesis, selective, 6; Dental anomalies and short stature. Identifiers: Orphanet 2899, MedGen C1832594, MONDO:0011018, OMIM 601216. Disease mechanism: loss of function.

gnomAD v4.1: 5 of 1,507,300 alleles (0.00033%); highest among the groups gnomAD compares: Non-Finnish European, 0.00045%; no homozygotes.

Submissions (2):

Labcorp Genetics (formerly Invitae), Labcorp
Classification: Uncertain significance for Brachyolmia-amelogenesis imperfecta syndrome. Last evaluated: 2025-04-27. Review status: criteria provided, single submitter. Criteria: Invitae Variant Classification Sherloc (09022015). Collection method: clinical testing. Allele origin: germline.
Comment: This sequence change replaces asparagine, which is neutral and polar, with serine, which is neutral and polar, at codon 1275 of the LTBP3 protein (p.Asn1275Ser). This variant is not present in population databases (gnomAD no frequency). This variant has not been reported in the literature in individuals affected with LTBP3-related conditions. ClinVar contains an entry for this variant (Variation ID: 1979706). An algorithm developed to predict the effect of missense changes on protein structure and function (PolyPhen-2) suggests that this variant is likely to be disruptive. In summary, the available evidence is currently insufficient to determine the role of this variant in disease. Therefore, it has been classified as a Variant of Uncertain Significance.

Ambry Genetics
Classification: Uncertain significance for Inborn genetic diseases. Last evaluated: 2023-07-18. Review status: criteria provided, single submitter. Criteria: Ambry Variant Classification Scheme 2023. Collection method: clinical testing. Allele origin: germline.
Comment: The p.N1275S variant (also known as c.3824A>G), located in coding exon 28 of the LTBP3 gene, results from an A to G substitution at nucleotide position 3824. The asparagine at codon 1275 is replaced by serine, an amino acid with highly similar properties. This amino acid position is conserved. In addition, the in silico prediction for this alteration is inconclusive. Since supporting evidence is limited at this time, the clinical significance of this alteration remains unclear.